The following is an entry in ClinVar:

NM_080605.4(B3GALT6):c.642G>T (p.Leu214=)

Gene: B3GALT6 (beta-1,3-galactosyltransferase 6; plus strand). Cytogenetic location: 1p36.33.
Variant type: single nucleotide variant.
Coding change: c.642G>T on transcript NM_080605.4 (MANE Select); coding-DNA position 642, G replaced by T.
Protein change: p.Leu214=; no amino-acid change (leucine 214 retained).
Molecular consequence: synonymous variant.
Genome position (GRCh38, 1-based): chr1:1,232,920, G>T. VCF-style: chr1-1232920-G-T. GRCh37 (hg19) VCF-style: chr1-1168300-G-T.
Identifiers: ClinVar variation 3388730 (VCV003388730.14).

ClinVar aggregate classification (germline): Likely benign (1 of 4 stars; one submission).

Submission:

CeGaT Center for Human Genetics Tuebingen
Classification: Likely benign. Last evaluated: 2024-09-01. Review status: criteria provided, single submitter. Criteria: CeGaT Center For Human Genetics Tuebingen Variant Classification Criteria Version 2. Collection method: clinical testing. Allele origin: germline. Affected: yes. Observed: 1 variant allele.
Comment: B3GALT6: PM2:Supporting, BP4, BP7